The following is an entry in ClinVar:

NM_002471.4(MYH6):c.2929G>C (p.Val977Leu)

Gene: MYH6 (myosin heavy chain 6; minus strand). Cytogenetic location: 14q11.2.
Variant type: single nucleotide variant.
Coding change: c.2929G>C on transcript NM_002471.4 (MANE Select); coding-DNA position 2929, G replaced by C.
Protein change: p.Val977Leu; replaces valine 977 with leucine.
Molecular consequence: missense variant.
Genome position (GRCh38, 1-based): chr14:23,393,518, C>G on the plus strand (G>C on the coding strand, the complement: MYH6 is on the minus strand). VCF-style: chr14-23393518-C-G. GRCh37 (hg19) VCF-style: chr14-23862727-C-G.
Other names: short protein forms V977L.
Identifiers: ClinVar variation 1057072 (VCV001057072.12), dbSNP rs141079114, ClinGen allele CA7115340.

ClinVar aggregate classification (germline): Uncertain significance. Review status: criteria provided, multiple submitters, no conflicts (2 of 4 stars). 5 submissions from 5 submitters: Uncertain significance (5). Last evaluated 2025-12-15.

Conditions:
Hypertrophic cardiomyopathy 14. Identifiers: MedGen C2750467, MONDO:0013197, OMIM 613251.
MYH6-related disorder. Also called: MYH6-related condition; MYH6-Related Disorders.
Cardiovascular phenotype. Identifiers: MedGen CN230736.

Allele frequency attached by ClinVar (database versions not stated): TOPMed 0.00003; gnomAD 0.00004 and 0.00005; ESP Exome Variant Server 0.00008.
gnomAD v4.1: 15 of 1,613,952 alleles (0.00093%); highest among the groups gnomAD compares: Admixed American, 0.017%; no homozygotes.

Submissions (5):

PreventionGenetics, part of Exact Sciences
Classification: Uncertain significance for MYH6-related condition. Last evaluated: 2025-12-15. Review status: criteria provided, single submitter. Criteria: ACMG Guidelines, 2015. Collection method: clinical testing. Allele origin: germline.
Comment: The MYH6 c.2929G>C variant is predicted to result in the amino acid substitution p.Val977Leu. To our knowledge, this variant has not been reported in the literature. This variant is reported in 0.020% of alleles in individuals of Latino descent in gnomAD. Although we suspect that this variant may be benign, at this time, the clinical significance of this variant is uncertain due to the absence of conclusive functional and genetic evidence.

Labcorp Genetics (formerly Invitae), Labcorp
Classification: Uncertain significance for Hypertrophic cardiomyopathy 14. Last evaluated: 2025-11-12. Review status: criteria provided, single submitter. Criteria: Invitae Variant Classification Sherloc (09022015). Collection method: clinical testing. Allele origin: germline.
Comment: This sequence change replaces valine, which is neutral and non-polar, with leucine, which is neutral and non-polar, at codon 977 of the MYH6 protein (p.Val977Leu). This variant is present in population databases (rs141079114, gnomAD 0.02%). This variant has not been reported in the literature in individuals affected with MYH6-related conditions. ClinVar contains an entry for this variant (Variation ID: 1057072). An algorithm developed to predict the effect of missense changes on protein structure and function (PolyPhen-2) suggests that this variant is likely to be disruptive. In summary, the available evidence is currently insufficient to determine the role of this variant in disease. Therefore, it has been classified as a Variant of Uncertain Significance.

Women's Health and Genetics/Laboratory Corporation of America, LabCorp
Classification: Uncertain significance. Last evaluated: 2025-07-28. Review status: criteria provided, single submitter. Criteria: LabCorp Variant Classification Summary - May 2015. Collection method: clinical testing. Allele origin: germline.

GeneDx
Classification: Uncertain significance. Last evaluated: 2024-12-23. Review status: criteria provided, single submitter. Criteria: GeneDx Variant Classification Process June 2021. Collection method: clinical testing. Allele origin: germline. Affected: yes.
Comment: In silico analysis indicates that this missense variant does not alter protein structure/function; Has not been previously published as pathogenic or benign to our knowledge

Ambry Genetics
Classification: Uncertain significance for Cardiovascular phenotype. Last evaluated: 2023-04-17. Review status: criteria provided, single submitter. Criteria: Ambry Variant Classification Scheme 2023. Collection method: clinical testing. Allele origin: germline.
Comment: The p.V977L variant (also known as c.2929G>C), located in coding exon 21 of the MYH6 gene, results from a G to C substitution at nucleotide position 2929. The valine at codon 977 is replaced by leucine, an amino acid with highly similar properties. This change occurs in the first base pair of coding exon 21. This amino acid position is highly conserved in available vertebrate species. In addition, the in silico prediction for this amino acid change is inconclusive. Since supporting evidence is limited at this time, the clinical significance of this alteration remains unclear.